The following is an entry in ClinVar:

NM_006031.6(PCNT):c.4132G>A (p.Glu1378Lys)

Gene: PCNT (pericentrin; plus strand). Cytogenetic location: 21q22.3.
Variant type: single nucleotide variant.
Coding change: c.4132G>A on transcript NM_006031.6 (MANE Select); coding-DNA position 4132, G replaced by A.
Protein change: p.Glu1378Lys; replaces glutamic acid 1378 with lysine.
Molecular consequence: missense variant.
Genome position (GRCh38, 1-based): chr21:46,391,292, G>A. VCF-style: chr21-46391292-G-A. GRCh37 (hg19) VCF-style: chr21-47811207-G-A.
Other names: c.3778G>A, p.Glu1260Lys (NM_001315529.2); short protein forms E1260K, E1378K.
Identifiers: ClinVar variation 1969844 (VCV001969844.5), dbSNP rs2518552299, ClinGen allele CA410577087.

ClinVar aggregate classification (germline): Uncertain significance (1 of 4 stars; one submission).

Allele frequency attached by ClinVar (database versions not stated): gnomAD exomes below 0.00001.
gnomAD v4.1: 1 of 1,581,156 alleles (0.000063%); highest among the groups gnomAD compares: Non-Finnish European, 0.000086%; no homozygotes.

Submission:

Labcorp Genetics (formerly Invitae), Labcorp
Classification: Uncertain significance. Last evaluated: 2022-03-11. Review status: criteria provided, single submitter. Criteria: Invitae Variant Classification Sherloc (09022015). Collection method: clinical testing. Allele origin: germline.
Comment: In summary, the available evidence is currently insufficient to determine the role of this variant in disease. Therefore, it has been classified as a Variant of Uncertain Significance. Algorithms developed to predict the effect of missense changes on protein structure and function are either unavailable or do not agree on the potential impact of this missense change (SIFT: "Tolerated"; PolyPhen-2: "Possibly Damaging"; Align-GVGD: "Class C0"). This variant has not been reported in the literature in individuals affected with PCNT-related conditions. This variant is not present in population databases (gnomAD no frequency). This sequence change replaces glutamic acid, which is acidic and polar, with lysine, which is basic and polar, at codon 1378 of the PCNT protein (p.Glu1378Lys).